The following is an entry in ClinVar:

ClinVar aggregate classification (germline): Uncertain significance (1 of 4 stars; one submission).

Allele frequency attached by ClinVar (database versions not stated): TOPMed below 0.00001.
gnomAD v4.1: 25 of 1,612,728 alleles (0.0016%); highest among the groups gnomAD compares: Non-Finnish European, 0.002%; no homozygotes.

Submission:

Women's Health and Genetics/Laboratory Corporation of America, LabCorp
Classification: Uncertain significance. Last evaluated: 2024-01-03. Review status: criteria provided, single submitter. Criteria: LabCorp Variant Classification Summary - May 2015. Collection method: clinical testing. Allele origin: germline.
Comment: Variant summary: FAM38B (also known as PIEZO2) c.7877A>T (p.Tyr2626Phe) results in a conservative amino acid change in the encoded protein sequence. Four of four in-silico tools predict a benign effect of the variant on protein function. The variant allele was found at a frequency of 4e-06 in 251016 control chromosomes (gnomAD). The available data on variant occurrences in the general population are insufficient to allow any conclusion about variant significance. To our knowledge, no occurrence of c.7877A>T in individuals affected with FAM38B-Related Disorders and no experimental evidence demonstrating its impact on protein function have been reported. No submitters have cited clinical-significance assessments for this variant to ClinVar after 2014. Based on the evidence outlined above, the variant was classified as uncertain significance.

NM_001378183.1(PIEZO2):c.8216A>T (p.Tyr2739Phe)

Gene: PIEZO2 (piezo type mechanosensitive ion channel component 2; minus strand). Cytogenetic location: 18p11.22.
Variant type: single nucleotide variant.
Coding change: c.8216A>T on transcript NM_001378183.1 (MANE Select); coding-DNA position 8216, A replaced by T.
Protein change: p.Tyr2739Phe; replaces tyrosine 2739 with phenylalanine.
Molecular consequence: missense variant.
Genome position (GRCh38, 1-based): chr18:10,672,819, T>A on the plus strand (A>T on the coding strand, the complement: PIEZO2 is on the minus strand). VCF-style: chr18-10672819-T-A. GRCh37 (hg19) VCF-style: chr18-10672816-T-A.
Other names: c.7952A>T, p.Tyr2651Phe (NM_001410871.1); c.7877A>T, p.Tyr2626Phe (NM_022068.4); short protein forms Y2626F, Y2651F, Y2739F.
Identifiers: ClinVar variation 3063750 (VCV003063750.1), dbSNP rs1305868876, ClinGen allele CA401913045.